The following is an entry in ClinVar:

NM_004655.4(AXIN2):c.1237T>A (p.Ser413Thr)

Gene: AXIN2 (axin 2; minus strand). Cytogenetic location: 17q24.1.
Variant type: single nucleotide variant.
Coding change: c.1237T>A on transcript NM_004655.4 (MANE Select); coding-DNA position 1237, T replaced by A.
Protein change: p.Ser413Thr; replaces serine 413 with threonine.
Molecular consequence: missense variant.
Genome position (GRCh38, 1-based): chr17:65,537,799, A>T on the plus strand (T>A on the coding strand, the complement: AXIN2 is on the minus strand). VCF-style: chr17-65537799-A-T. GRCh37 (hg19) VCF-style: chr17-63533917-A-T.
Other names: c.1237T>A, p.Ser413Thr (NM_001363813.1); short protein forms S413T.
Identifiers: ClinVar variation 3335792 (VCV003335792.1).

ClinVar aggregate classification (germline): Uncertain significance (1 of 4 stars; one submission).

Conditions:
Hereditary cancer-predisposing syndrome. Also called: Neoplastic Syndromes, Hereditary; Tumor predisposition; Hereditary neoplastic syndrome; Hereditary Cancer Syndrome. Identifiers: Orphanet 140162, MedGen C0027672, MeSH D009386, MONDO:0015356.

Submission:

Ambry Genetics
Classification: Uncertain significance for Hereditary cancer-predisposing syndrome. Last evaluated: 2024-05-08. Review status: criteria provided, single submitter. Criteria: Ambry Variant Classification Scheme 2023. Collection method: clinical testing. Allele origin: germline.
Comment: The p.S413T variant (also known as c.1237T>A), located in coding exon 5 of the AXIN2 gene, results from a T to A substitution at nucleotide position 1237. The serine at codon 413 is replaced by threonine, an amino acid with similar properties. This amino acid position is conserved. In addition, this alteration is predicted to be tolerated by in silico analysis. Based on the available evidence, the clinical significance of this variant remains unclear.